The following is an entry in ClinVar:

NM_004304.5(ALK):c.1391G>T (p.Gly464Val)

Gene: ALK (ALK receptor tyrosine kinase; minus strand). Cytogenetic location: 2p23.2.
Variant type: single nucleotide variant.
Coding change: c.1391G>T on transcript NM_004304.5 (MANE Select); coding-DNA position 1391, G replaced by T.
Protein change: p.Gly464Val; replaces glycine 464 with valine.
Molecular consequence: missense variant.
Genome position (GRCh38, 1-based): chr2:29,328,373, C>A on the plus strand (G>T on the coding strand, the complement: ALK is on the minus strand). VCF-style: chr2-29328373-C-A. GRCh37 (hg19) VCF-style: chr2-29551239-C-A.
Other names: short protein forms G464V.
Identifiers: ClinVar variation 656787 (VCV000656787.9), dbSNP rs771689864, ClinGen allele CA1594670.

ClinVar aggregate classification (germline): Uncertain significance. Review status: criteria provided, multiple submitters, no conflicts (2 of 4 stars). 2 submissions from 2 submitters: Uncertain significance (2). Last evaluated 2025-11-21.

Conditions:
Neuroblastoma, susceptibility to, 3. Also called: ALK-Related Neuroblastic Tumor Susceptibility. Identifiers: Orphanet 635, MedGen C2751681, MONDO:0013083, OMIM 613014.
Hereditary cancer-predisposing syndrome. Also called: Neoplastic Syndromes, Hereditary; Hereditary neoplastic syndrome; Hereditary Cancer Syndrome; Tumor predisposition. Identifiers: Orphanet 140162, MedGen C0027672, MeSH D009386, MONDO:0015356.

Allele frequency attached by ClinVar (database versions not stated): gnomAD exomes below 0.00001; ExAC 0.00001; gnomAD 0.00001.
gnomAD v4.1: 3 of 1,614,066 alleles (0.00019%); highest among the groups gnomAD compares: South Asian, 0.0022%; no homozygotes.

Submissions (2):

Ambry Genetics
Classification: Uncertain significance for Hereditary cancer-predisposing syndrome. Last evaluated: 2025-11-21. Review status: criteria provided, single submitter. Criteria: Ambry Variant Classification Scheme 2023. Collection method: clinical testing. Allele origin: germline.
Comment: The p.G464V variant (also known as c.1391G>T), located in coding exon 6 of the ALK gene, results from a G to T substitution at nucleotide position 1391. The glycine at codon 464 is replaced by valine, an amino acid with dissimilar properties. This amino acid position is highly conserved in available vertebrate species. In silico splice site analysis predicts that this alteration may weaken the native splice donor site. In addition, this alteration is predicted to be deleterious by in silico analysis. Based on the available evidence, the clinical significance of this variant remains unclear.

Labcorp Genetics (formerly Invitae), Labcorp
Classification: Uncertain significance for Neuroblastoma, susceptibility to, 3. Last evaluated: 2018-11-13. Review status: criteria provided, single submitter. Criteria: Invitae Variant Classification Sherloc (09022015). Collection method: clinical testing. Allele origin: germline.
Comment: This sequence change replaces glycine with valine at codon 464 of the ALK protein (p.Gly464Val). The glycine residue is highly conserved and there is a moderate physicochemical difference between glycine and valine. This variant is present in population databases (rs771689864, ExAC 0.006%). This variant has not been reported in the literature in individuals with ALK-related disease. Algorithms developed to predict the effect of missense changes on protein structure and function are either unavailable or do not agree on the potential impact of this missense change (SIFT: "Deleterious"; PolyPhen-2: "Probably Damaging"; Align-GVGD: "Class C0"). Algorithms developed to predict the effect of sequence changes on RNA splicing suggest that this variant may create or strengthen a splice site, but this prediction has not been confirmed by published transcriptional studies. In summary, the available evidence is currently insufficient to determine the role of this variant in disease. Therefore, it has been classified as a Variant of Uncertain Significance.